The following is an entry in ClinVar:

ClinVar aggregate classification (germline): Uncertain significance (1 of 4 stars; one submission).

Submission:

GeneDx
Classification: Uncertain significance. Last evaluated: 2022-05-24. Review status: criteria provided, single submitter. Criteria: GeneDx Variant Classification Process June 2021. Collection method: clinical testing. Allele origin: germline. Affected: yes.
Comment: Not observed at significant frequency in large population cohorts (gnomAD); In silico analysis supports that this missense variant does not alter protein structure/function; Has not been previously published as pathogenic or benign to our knowledge

NM_003482.4(KMT2D):c.11876A>C (p.Gln3959Pro)

Gene: KMT2D (lysine methyltransferase 2D; minus strand). Cytogenetic location: 12q13.12.
Variant type: single nucleotide variant.
Coding change: c.11876A>C on transcript NM_003482.4 (MANE Select); coding-DNA position 11876, A replaced by C.
Protein change: p.Gln3959Pro; replaces glutamine 3959 with proline.
Molecular consequence: missense variant.
Genome position (GRCh38, 1-based): chr12:49,032,829, T>G on the plus strand (A>C on the coding strand, the complement: KMT2D is on the minus strand). VCF-style: chr12-49032829-T-G. GRCh37 (hg19) VCF-style: chr12-49426612-T-G.
Other names: short protein forms Q3959P.
Identifiers: ClinVar variation 1801190 (VCV001801190.1), dbSNP rs2498360228, ClinGen allele CA384714491.